The following is an entry in ClinVar:

ClinVar aggregate classification (germline): Uncertain significance (1 of 4 stars; one submission).

gnomAD v4.1: 1 of 1,614,186 alleles (0.000062%); highest among the groups gnomAD compares: Non-Finnish European, 0.000085%; no homozygotes.

Submission:

GeneDx
Classification: Uncertain significance. Last evaluated: 2023-11-10. Review status: criteria provided, single submitter. Criteria: GeneDx Variant Classification Process June 2021. Collection method: clinical testing. Allele origin: germline. Affected: yes.
Comment: Not observed at significant frequency in large population cohorts (gnomAD); In silico analysis supports that this missense variant has a deleterious effect on protein structure/function; In silico analysis supports a deleterious effect on splicing; Has not been previously published as pathogenic or benign to our knowledge

NM_000384.3(APOB):c.2819A>G (p.Asn940Ser)

Gene: APOB (apolipoprotein B; minus strand). Cytogenetic location: 2p24.1.
Variant type: single nucleotide variant.
Coding change: c.2819A>G on transcript NM_000384.3 (MANE Select); coding-DNA position 2819, A replaced by G.
Protein change: p.Asn940Ser; replaces asparagine 940 with serine.
Molecular consequence: missense variant.
Genome position (GRCh38, 1-based): chr2:21,019,903, T>C on the plus strand (A>G on the coding strand, the complement: APOB is on the minus strand). VCF-style: chr2-21019903-T-C. GRCh37 (hg19) VCF-style: chr2-21242775-T-C.
Other names: short protein forms N940S.
Identifiers: ClinVar variation 3364133 (VCV003364133.1).